The following is an entry in ClinVar:

NM_000186.4(CFH):c.2091T>A (p.Leu697=)

Gene: CFH (complement factor H; plus strand). Cytogenetic location: 1q31.3.
Variant type: single nucleotide variant.
Coding change: c.2091T>A on transcript NM_000186.4 (MANE Select); coding-DNA position 2091, T replaced by A.
Protein change: p.Leu697=; no amino-acid change (leucine 697 retained).
Molecular consequence: synonymous variant.
Genome position (GRCh38, 1-based): chr1:196,726,795, T>A. VCF-style: chr1-196726795-T-A. GRCh37 (hg19) VCF-style: chr1-196695925-T-A.
Identifiers: ClinVar variation 3026767 (VCV003026767.22), dbSNP rs1436804999, ClinGen allele CA422664383.

ClinVar aggregate classification (germline): Likely benign (1 of 4 stars; one submission).

Allele frequency attached by ClinVar (database versions not stated): gnomAD exomes below 0.00001.
gnomAD v4.1: 6 of 1,613,914 alleles (0.00037%); highest among the groups gnomAD compares: Non-Finnish European, 0.00034%; no homozygotes.

Submission:

CeGaT Center for Human Genetics Tuebingen
Classification: Likely benign. Last evaluated: 2024-01-01. Review status: criteria provided, single submitter. Criteria: CeGaT Center For Human Genetics Tuebingen Variant Classification Criteria Version 2. Collection method: clinical testing. Allele origin: germline. Affected: yes. Observed: 1 variant allele.
Comment: CFH: BP4, BP7